The following is an entry in ClinVar:

NM_173630.4(RTTN):c.4894A>G (p.Thr1632Ala)

Gene: RTTN (rotatin; minus strand). Cytogenetic location: 18q22.2.
Variant type: single nucleotide variant.
Coding change: c.4894A>G on transcript NM_173630.4 (MANE Select); coding-DNA position 4894, A replaced by G.
Protein change: p.Thr1632Ala; replaces threonine 1632 with alanine.
Molecular consequence: missense variant.
Genome position (GRCh38, 1-based): chr18:70,059,896, T>C on the plus strand (A>G on the coding strand, the complement: RTTN is on the minus strand). VCF-style: chr18-70059896-T-C. GRCh37 (hg19) VCF-style: chr18-67727132-T-C.
Other names: c.2158A>G, p.Thr720Ala (NM_001318520.2); short protein forms T1632A, T720A.
Identifiers: ClinVar variation 3948723 (VCV003948723.6).

ClinVar aggregate classification (germline): Uncertain significance. Review status: criteria provided, multiple submitters, no conflicts (2 of 4 stars). 2 submissions from 2 submitters: Uncertain significance (2). Last evaluated 2025-12-01.

Conditions:
Inborn genetic diseases. Identifiers: MedGen C0950123, MeSH D030342.

gnomAD v4.1: 22 of 1,612,510 alleles (0.0014%); highest among the groups gnomAD compares: African/African-American, 0.028%; no homozygotes.

Submissions (2):

CeGaT Center for Human Genetics Tuebingen
Classification: Uncertain significance. Last evaluated: 2025-12-01. Review status: criteria provided, single submitter. Criteria: CeGaT Center For Human Genetics Tuebingen Variant Classification Criteria Version 2. Collection method: clinical testing. Allele origin: germline. Affected: yes. Observed: 1 variant allele.
Comment: RTTN: PM2, BP4

Ambry Genetics
Classification: Uncertain significance for Inborn genetic diseases. Last evaluated: 2025-05-19. Review status: criteria provided, single submitter. Criteria: Ambry Variant Classification Scheme 2023. Collection method: clinical testing. Allele origin: germline.